The following is an entry in ClinVar:

ClinVar aggregate classification (germline): Uncertain significance. Review status: criteria provided, multiple submitters, no conflicts (2 of 4 stars). 3 submissions from 3 submitters: Uncertain significance (3). Last evaluated 2025-11-01.

Allele frequency attached by ClinVar (database versions not stated): ExAC 0.00001; gnomAD 0.00003 and 0.00004; TOPMed 0.00003.
gnomAD v4.1: 23 of 1,613,910 alleles (0.0014%); highest among the groups gnomAD compares: Middle Eastern, 0.033%; no homozygotes.

Submissions (3):

GeneDx
Classification: Uncertain significance. Last evaluated: 2025-11-01. Review status: criteria provided, single submitter. Criteria: GeneDx Variant Classification Process June 2021. Collection method: clinical testing. Allele origin: germline.
Comment: Not observed at significant frequency in large population cohorts (gnomAD); In silico analysis suggests that this missense variant does not alter protein structure/function; Has not been previously published as pathogenic or benign to our knowledge

Blueprint Genetics
Classification: Uncertain significance. Last evaluated: 2023-11-01. Review status: criteria provided, single submitter. Criteria: ACMG Guidelines, 2015. Collection method: clinical testing. Allele origin: germline.

Labcorp Genetics (formerly Invitae), Labcorp
Classification: Uncertain significance. Last evaluated: 2021-08-14. Review status: criteria provided, single submitter. Criteria: Invitae Variant Classification Sherloc (09022015). Collection method: clinical testing. Allele origin: germline.
Comment: This sequence change replaces arginine with serine at codon 350 of the DFNB59 protein (p.Arg350Ser). The arginine residue is highly conserved and there is a moderate physicochemical difference between arginine and serine. This variant is present in population databases (rs746778669, ExAC 0.006%). This variant has not been reported in the literature in individuals affected with DFNB59-related conditions. Algorithms developed to predict the effect of missense changes on protein structure and function are either unavailable or do not agree on the potential impact of this missense change (SIFT: "Deleterious"; PolyPhen-2: "Benign"; Align-GVGD: "Class C65"). In summary, the available evidence is currently insufficient to determine the role of this variant in disease. Therefore, it has been classified as a Variant of Uncertain Significance.

NM_001042702.5(PJVK):c.1050G>C (p.Arg350Ser)

Gene: PJVK (pejvakin; plus strand). Cytogenetic location: 2q31.2.
Variant type: single nucleotide variant.
Coding change: c.1050G>C on transcript NM_001042702.5 (MANE Select); coding-DNA position 1050, G replaced by C.
Protein change: p.Arg350Ser; replaces arginine 350 with serine.
Molecular consequence: missense variant.
Genome position (GRCh38, 1-based): chr2:178,461,265, G>C. VCF-style: chr2-178461265-G-C. GRCh37 (hg19) VCF-style: chr2-179325992-G-C.
Other names: c.1059G>C, p.Arg353Ser (NM_001353775.2); c.1056G>C, p.Arg352Ser (NM_001353776.2); c.573G>C, p.Arg191Ser (NM_001353777.1, NM_001353778.2); c.1050G>C, p.Arg350Ser (NM_001369912.1); short protein forms R191S, R350S, R352S, R353S.
Identifiers: ClinVar variation 1683217 (VCV001683217.8), dbSNP rs746778669, ClinGen allele CA1984341.
Genomic context (GRCh38, chr2:178,461,265, plus strand): 5'-TGATGGTCAGAAGTATGTGAGACTTCATGCAGTTCCTTGTTTTGATATTTGGCACAAGAG[G>C]ATGAAATAAAATGAAAAATGAATACACCGTGTTGGTGTTTTAGGTGCAGTTGTGCCACAA-3'
Protein context (NP_001036167.1, residues 340-352): AVPCFDIWHK[Arg350Ser]MK